The following is an entry in ClinVar:

ClinVar aggregate classification (germline): Uncertain significance (1 of 4 stars; one submission).

Conditions:
Norman-Roberts syndrome (LIS2). Also called: Lissencephaly 2 (Norman-Roberts type). Identifiers: Orphanet 89844, MedGen C0796089, MONDO:0009760, OMIM 257320.
Familial temporal lobe epilepsy 7. Identifiers: Orphanet 101046, MedGen C4225327, MONDO:0014639, OMIM 616436.

Submission:

Labcorp Genetics (formerly Invitae), Labcorp
Classification: Uncertain significance for Familial temporal lobe epilepsy 7; Norman-Roberts syndrome. Last evaluated: 2025-08-11. Review status: criteria provided, single submitter. Criteria: Invitae Variant Classification Sherloc (09022015). Collection method: clinical testing. Allele origin: germline.
Comment: This sequence change replaces glutamine, which is neutral and polar, with histidine, which is basic and polar, at codon 790 of the RELN protein (p.Gln790His). This variant is not present in population databases (gnomAD no frequency). This variant has not been reported in the literature in individuals affected with RELN-related conditions. Invitae Evidence Modeling of protein sequence and biophysical properties (such as structural, functional, and spatial information, amino acid conservation, physicochemical variation, residue mobility, and thermodynamic stability) indicates that this missense variant is not expected to disrupt RELN protein function with a negative predictive value of 80%. In summary, the available evidence is currently insufficient to determine the role of this variant in disease. Therefore, it has been classified as a Variant of Uncertain Significance.

NM_005045.4(RELN):c.2370G>T (p.Gln790His)

Gene: RELN (reelin; minus strand). Cytogenetic location: 7q22.1.
Variant type: single nucleotide variant.
Coding change: c.2370G>T on transcript NM_005045.4 (MANE Select); coding-DNA position 2370, G replaced by T.
Protein change: p.Gln790His; replaces glutamine 790 with histidine.
Molecular consequence: missense variant.
Genome position (GRCh38, 1-based): chr7:103,635,520, C>A on the plus strand (G>T on the coding strand, the complement: RELN is on the minus strand). VCF-style: chr7-103635520-C-A. GRCh37 (hg19) VCF-style: chr7-103275967-C-A.
Other names: c.2370G>T, p.Gln790His (NM_173054.3); short protein forms Q790H.
Identifiers: ClinVar variation 4791724 (VCV004791724.1).
Genomic context (GRCh38, chr7:103,635,520, plus strand): 5'-CAGGAGTTTCCAAGTTATCCCATTATCATAAGAATAATGCAACAAAACTCCTTCACCAGG[C>A]TGATCAGGGGCTCTGCACGTGCTCAGAACAGATTTGCTCCCCAGTCTCAGTGTGAACTGG-3'
Protein context (NP_005036.2, residues 780-800): SVLSTCRAPD[Gln790His]PGEGVLLHYS